The following is an entry in ClinVar:

ClinVar aggregate classification (germline): Uncertain significance (1 of 4 stars; one submission).

Conditions:
Left ventricular noncompaction 1 (LVNC1). Also called: LEFT VENTRICULAR NONCOMPACTION 1 WITH OR WITHOUT CONGENITAL HEART DEFECTS. Identifiers: Orphanet 54260, MedGen C1858725, MONDO:0011403, OMIM 604169.

Submission:

Labcorp Genetics (formerly Invitae), Labcorp
Classification: Uncertain significance for Left ventricular noncompaction 1. Last evaluated: 2021-08-18. Review status: criteria provided, single submitter. Criteria: Invitae Variant Classification Sherloc (09022015). Collection method: clinical testing. Allele origin: germline.
Comment: In summary, the available evidence is currently insufficient to determine the role of this variant in disease. Therefore, it has been classified as a Variant of Uncertain Significance. This variant results in a copy number gain of the genomic region encompassing exon(s) 5-21 of the DTNA gene. This region includes the termination codon of the gene. This copy number gain extends beyond the assayed region for this gene and therefore may encompass additional genes. As the precise location of this event is unknown, it may be in tandem or it may be located elsewhere in the genome. This variant has not been reported in the literature in individuals affected with DTNA-related conditions. Experimental studies and prediction algorithms are not available or were not evaluated, and the functional significance of this variant is currently unknown.

NC_000018.9:g.(?_32391903)_(32464709_?)dup

Gene: DTNA (dystrobrevin alpha; plus strand). Cytogenetic location: 18q12.1.
Variant type: Duplication.
Identifiers: ClinVar variation 1399857 (VCV001399857.4).